The following is an entry in ClinVar:

NM_001206927.2(DNAH8):c.9296del (p.Ile3099fs)

Gene: DNAH8 (dynein axonemal heavy chain 8; plus strand). Cytogenetic location: 6p21.2.
Variant type: Deletion.
Coding change: c.9296del on transcript NM_001206927.2 (MANE Select); coding-DNA position 9296, one base deleted (T; older notation c.9296delT).
Protein change: p.Ile3099fs; shifts the reading frame from isoleucine 3099.
Molecular consequence: frameshift variant.
Genome position (GRCh38, 1-based): chr6:38,906,355, T deleted. VCF-style (leftmost placement, unchanged base first): chr6-38906354-AT-A. GRCh37 (hg19) VCF-style: chr6-38874130-AT-A.
Other names: c.8645del, p.Ile2882fs (NM_001371.4); short protein forms I2882fs, I3099fs.
Identifiers: ClinVar variation 4755068 (VCV004755068.1).

ClinVar aggregate classification (germline): Pathogenic (1 of 4 stars; one submission).

Conditions:
Primary ciliary dyskinesia. Also called: Ciliary dyskinesia. Identifiers: Orphanet 244, MedGen C0008780, MONDO:0016575, HP:0012265.

Submission:

Labcorp Genetics (formerly Invitae), Labcorp
Classification: Pathogenic for Primary ciliary dyskinesia. Last evaluated: 2026-01-19. Review status: criteria provided, single submitter. Criteria: Invitae Variant Classification Sherloc (09022015). Collection method: clinical testing. Allele origin: germline.
Comment: This sequence change creates a premature translational stop signal (p.Ile3099Lysfs*7) in the DNAH8 gene. It is expected to result in an absent or disrupted protein product. Loss-of-function variants in DNAH8 are known to be pathogenic (PMID: 24307375, 32619401, 32681648). This variant is not present in population databases (gnomAD no frequency). This variant has not been reported in the literature in individuals affected with DNAH8-related conditions. For these reasons, this variant has been classified as Pathogenic.

Literature cited by the submitters: PubMed 24307375; PubMed 32619401; PubMed 32681648.